The following is an entry in ClinVar:

NM_001868.4(CPA1):c.665A>C (p.Asn222Thr)

Gene: CPA1 (carboxypeptidase A1; plus strand). Cytogenetic location: 7q32.2.
Variant type: single nucleotide variant.
Coding change: c.665A>C on transcript NM_001868.4 (MANE Select); coding-DNA position 665, A replaced by C.
Protein change: p.Asn222Thr; replaces asparagine 222 with threonine.
Molecular consequence: missense variant.
Genome position (GRCh38, 1-based): chr7:130,383,763, A>C. VCF-style: chr7-130383763-A-C. GRCh37 (hg19) VCF-style: chr7-130023604-A-C.
Other names: short protein forms N222T.
Identifiers: ClinVar variation 4559642 (VCV004559642.1).

ClinVar aggregate classification (germline): Uncertain significance (1 of 4 stars; one submission).

Conditions:
Hereditary pancreatitis (PCTT). Also called: Hereditary chronic pancreatitis; PRSS1-Related Hereditary Pancreatitis. Identifiers: Orphanet 676, MedGen C0238339, MONDO:0008185, OMIM 167800.

Submission:

Ambry Genetics
Classification: Uncertain significance for Hereditary pancreatitis. Last evaluated: 2025-11-03. Review status: criteria provided, single submitter. Criteria: Ambry Variant Classification Scheme 2023. Collection method: clinical testing. Allele origin: germline.
Comment: The p.N222T variant (also known as c.665A>C), located in coding exon 6 of the CPA1 gene, results from an A to C substitution at nucleotide position 665. The asparagine at codon 222 is replaced by threonine, an amino acid with similar properties. This amino acid position is conserved. In addition, the in silico prediction for this alteration is inconclusive. Based on the available evidence, the clinical significance of this variant remains unclear.